The following is an entry in ClinVar:

ClinVar aggregate classification (germline): Uncertain significance. Review status: criteria provided, multiple submitters, no conflicts (2 of 4 stars). 2 submissions from 2 submitters: Uncertain significance (2). Last evaluated 2025-04-09.

Conditions:
Cardiovascular phenotype. Identifiers: MedGen CN230736.

gnomAD v4.1: 13 of 1,613,484 alleles (0.00081%); highest among the groups gnomAD compares: Non-Finnish European, 0.0011%; no homozygotes.

Submissions (2):

Molecular Diagnostic Laboratory for Inherited Cardiovascular Disease, Montreal Heart Institute
Classification: Uncertain significance for Cardiovascular phenotype. Last evaluated: 2025-04-09. Review status: criteria provided, single submitter. Criteria: ACMG Guidelines, 2015. Collection method: clinical testing. Allele origin: germline. Affected: yes.
Comment: PM2, PP3

Blueprint Genetics
Classification: Uncertain significance. Last evaluated: 2024-10-10. Review status: criteria provided, single submitter. Criteria: ACMG Guidelines, 2015. Collection method: clinical testing. Allele origin: germline.

NM_001281740.3(FHOD3):c.500A>C (p.Tyr167Ser)

Gene: FHOD3 (formin homology 2 domain containing 3; plus strand). Cytogenetic location: 18q12.2.
Variant type: single nucleotide variant.
Coding change: c.500A>C on transcript NM_001281740.3 (MANE Select); coding-DNA position 500, A replaced by C.
Protein change: p.Tyr167Ser; replaces tyrosine 167 with serine.
Molecular consequence: missense variant.
Genome position (GRCh38, 1-based): chr18:36,512,532, A>C. VCF-style: chr18-36512532-A-C. GRCh37 (hg19) VCF-style: chr18-34092495-A-C.
Other names: c.500A>C, p.Tyr167Ser (NM_001281739.3, NM_025135.5); short protein forms Y167S.
Identifiers: ClinVar variation 3895416 (VCV003895416.2).